The following is an entry in ClinVar:

ClinVar aggregate classification (germline): Likely pathogenic (1 of 4 stars; one submission).

Conditions:
Alagille syndrome due to a NOTCH2 point mutation. Also called: Alagille syndrome 2. Identifiers: Orphanet 261629, Orphanet 52, MedGen C1857761, MONDO:0012439, OMIM 610205.
Hajdu-Cheney syndrome (HJCYS). Also called: ACROOSTEOLYSIS WITH OSTEOPOROSIS AND CHANGES IN SKULL AND MANDIBLE; SERPENTINE FIBULA-POLYCYSTIC KIDNEY SYNDROME; Acroosteolysis dominant type. Identifiers: Orphanet 955, MedGen C0917715, MONDO:0007057, OMIM 102500.

Submission:

Molecular Genetics Department, Kulakov National Medical Research Center for Obstetrics, Gynecology and Perinatology
Classification: Likely pathogenic for Alagille syndrome due to a NOTCH2 point mutation; Hajdu-Cheney syndrome. Review status: criteria provided, single submitter. Criteria: ACMG Guidelines, 2015. Collection method: clinical testing. Allele origin: germline. Affected: yes.
Comment: A previously undescribed nucleotide variant creates a frameshift p.Arg2047GlyfsTer21 in the NOTCH2 gene. Loss-of-function variants are reported in patients with Alagille syndrome 2, 610205, Hajdu-Cheney syndrome, 102500. The variant is not present in population database (gnomAD no frequency). In summary, the currently available evidence indicates that the variant is pathogenic, but additional data are needed to prove that conclusively. Therefore, this variant has been classified as likely pathogenic.

NM_024408.4(NOTCH2):c.6139del (p.Arg2047fs)

Gene: NOTCH2 (notch receptor 2; minus strand). Cytogenetic location: 1p12.
Variant type: Deletion.
Coding change: c.6139del on transcript NM_024408.4 (MANE Select); coding-DNA position 6139, one base deleted (C; older notation c.6139delC).
Protein change: p.Arg2047fs; shifts the reading frame from arginine 2047.
Molecular consequence: frameshift variant.
Genome position (GRCh38, 1-based): chr1:119,916,583, G deleted on the plus strand (C on the coding strand, the reverse complement: NOTCH2 is on the minus strand); the first of 4 consecutive G bases (chr1:119,916,583-119,916,586); deleting any one gives the same sequence. VCF-style (leftmost placement, unchanged base first): chr1-119916582-CG-C. GRCh37 (hg19) VCF-style: chr1-120459205-CG-C.
Other names: short protein forms R2047fs.
Identifiers: ClinVar variation 3062308 (VCV003062308.1), dbSNP rs2526108695, ClinGen allele CA2740090346.